The following is an entry in ClinVar:

NM_016239.4(MYO15A):c.5385C>A (p.Cys1795Ter)

Gene: MYO15A (myosin XVA; plus strand). Cytogenetic location: 17p11.2.
Variant type: single nucleotide variant.
Coding change: c.5385C>A on transcript NM_016239.4 (MANE Select); coding-DNA position 5385, C replaced by A.
Protein change: p.Cys1795Ter; replaces cysteine 1795 with a stop codon.
Molecular consequence: nonsense.
Genome position (GRCh38, 1-based): chr17:18,140,811, C>A. VCF-style: chr17-18140811-C-A. GRCh37 (hg19) VCF-style: chr17-18044125-C-A.
Other names: short protein forms C1795*.
Identifiers: ClinVar variation 3601359 (VCV003601359.1).
Genomic context (GRCh38, chr17:18,140,811, plus strand): 5'-TGAGGCCTCATGCTGTCCTCTTCCTGCCACTGCCAGGTGCAACCCCTTGTTCATGCGTTG[C>A]CTGAAGCCCAACCACAAGAAGGTGAGTGAGAGCTGAGGCCTCTGAGAGAGCCAAATCCTC-3'

ClinVar aggregate classification (germline): Pathogenic (1 of 4 stars; one submission).

Conditions:
Autosomal recessive nonsyndromic hearing loss 3. Also called: NEUROSENSORY NONSYNDROMIC RECESSIVE DEAFNESS 3. Identifiers: Orphanet 90636, MedGen C1838263, MONDO:0010860, OMIM 600316.

Submission:

Institute of Rare Diseases, West China Hospital, Sichuan University
Classification: Pathogenic for Autosomal recessive nonsyndromic hearing loss 3. Last evaluated: 2025-01-09. Review status: criteria provided, single submitter. Criteria: ClinGen HL ACMG Specifications v1. Collection method: research. Allele origin: germline. Affected: yes.
Comment: PVS1;PM3;PM2_Supporting